The following is an entry in ClinVar:

NM_000218.3(KCNQ1):c.1714C>G (p.Leu572Val)

Gene: KCNQ1 (potassium voltage-gated channel subfamily Q member 1; plus strand). Cytogenetic location: 11p15.5.
Variant type: single nucleotide variant.
Coding change: c.1714C>G on transcript NM_000218.3 (MANE Select); coding-DNA position 1714, C replaced by G.
Protein change: p.Leu572Val; replaces leucine 572 with valine.
Molecular consequence: missense variant.
Genome position (GRCh38, 1-based): chr11:2,777,014, C>G. VCF-style: chr11-2777014-C-G. GRCh37 (hg19) VCF-style: chr11-2798244-C-G.
Other names: c.1618C>G, p.Leu540Val (NM_001406836.1); c.1444C>G, p.Leu482Val (NM_001406837.1); c.1174C>G, p.Leu392Val (NM_001406838.1); c.1333C>G, p.Leu445Val (NM_181798.2); short protein forms L540V, L392V, L482V, L572V, L445V.
Identifiers: ClinVar variation 2081590 (VCV002081590.4), dbSNP rs2494142143, ClinGen allele CA379139313.

ClinVar aggregate classification (germline): Uncertain significance (1 of 4 stars; one submission).

Conditions:
Long QT syndrome (LQTS). Identifiers: MedGen C0023976, MeSH D008133, MONDO:0002442. Disease mechanism: loss of function. Inheritance: Various modes of inheritance.

Submission:

Labcorp Genetics (formerly Invitae), Labcorp
Classification: Uncertain significance for Long QT syndrome. Last evaluated: 2022-07-21. Review status: criteria provided, single submitter. Criteria: Invitae Variant Classification Sherloc (09022015). Collection method: clinical testing. Allele origin: germline.
Comment: This variant is not present in population databases (gnomAD no frequency). This variant has not been reported in the literature in individuals affected with KCNQ1-related conditions. Algorithms developed to predict the effect of missense changes on protein structure and function are either unavailable or do not agree on the potential impact of this missense change (SIFT: "Tolerated"; PolyPhen-2: "Possibly Damaging"; Align-GVGD: "Class C0"). In summary, the available evidence is currently insufficient to determine the role of this variant in disease. Therefore, it has been classified as a Variant of Uncertain Significance. This sequence change replaces leucine, which is neutral and non-polar, with valine, which is neutral and non-polar, at codon 572 of the KCNQ1 protein (p.Leu572Val).